The following is an entry in ClinVar:

NM_173651.4(FSIP2):c.8038dup (p.Thr2680fs)

Genes: FSIP2 (fibrous sheath interacting protein 2; plus strand), FSIP2-AS1 (FSIP2 antisense RNA 1; minus strand). Cytogenetic location: 2q32.1.
Variant type: Duplication.
Coding change: c.8038dup on transcript NM_173651.4 (MANE Select); coding-DNA position 8038, one base duplicated (A; older notation c.8038dupA).
Protein change: p.Thr2680fs; shifts the reading frame from threonine 2680.
Molecular consequence: frameshift variant.
Genome position (GRCh38, 1-based): chr2:185,795,174, A duplicated; the last of 8 consecutive A bases (chr2:185,795,167-185,795,174); duplicating any one gives the same sequence. VCF-style (leftmost placement, unchanged base first): chr2-185795166-C-CA. GRCh37 (hg19) VCF-style: chr2-186659893-C-CA.
Other names: short protein forms T2680fs.
Identifiers: ClinVar variation 5006170 (VCV005006170.2).

ClinVar aggregate classification (germline): Likely pathogenic (1 of 4 stars; one submission).

Conditions:
Spermatogenic failure 34. Identifiers: MedGen C4748403, MONDO:0029148, OMIM 618153.

Submission:

Juno Genomics, Hangzhou Juno Genomics, Inc
Classification: Likely pathogenic for Spermatogenic failure 34. Review status: criteria provided, single submitter. Criteria: ACMG Guidelines, 2015. Collection method: clinical testing. Allele origin: germline.
Comment: Null variant in a gene where loss of function (LOF) is a known mechanism of disease.;Absent from controls (or at extremely low frequency if recessive) in Genome Aggregation Database.